The following is an entry in ClinVar:

ClinVar aggregate classification (germline): Conflicting classifications of pathogenicity. Review status: criteria provided, conflicting classifications (1 of 4 stars). 4 submissions from 4 submitters: Pathogenic (1); Uncertain significance (3). Last evaluated 2026-02-02.

Conditions:
Gastrointestinal defects and immunodeficiency syndrome 1 (GIDID1). Also called: Combined immunodeficiency-enteropathy spectrum. Identifiers: Orphanet 436252, MedGen C5968858, MONDO:0800030, OMIM 243150.
Common variable immunodeficiency (CVID). Also called: Common variable hypogamma-globulinemia; Common variable agammaglobulinemia. Identifiers: Orphanet 1572, MedGen C0009447, MONDO:0015517.
Multiple gastrointestinal atresias. Also called: Multiple intestinal atresia; FAMILIAL INTESTINAL POLYATRESIA SYNDROME. Identifiers: Orphanet 2300, MedGen C0220744, MONDO:0009465.

Allele frequency attached by ClinVar (database versions not stated): ExAC 0.00001; gnomAD exomes 0.00001 and 0.00005; TOPMed 0.00002; gnomAD 0.00003; ESP Exome Variant Server 0.00008.
gnomAD v4.1: 80 of 1,614,008 alleles (0.005%); highest among the groups gnomAD compares: Non-Finnish European, 0.0064%; no homozygotes.

Submissions (4):

Women's Health and Genetics/Laboratory Corporation of America, LabCorp
Classification: Uncertain significance. Last evaluated: 2026-02-02. Review status: criteria provided, single submitter. Criteria: LabCorp Variant Classification Summary - May 2015. Collection method: clinical testing. Allele origin: germline.
Comment: Variant summary: TTC7A c.793C>T (p.Arg265Trp) results in a non-conservative amino acid change located in the Tetratricopeptide repeat protein 7, N-terminal domain (IPR045819) of the encoded protein sequence. Algorithms developed to predict the effect of missense changes on protein structure and function are either unavailable or do not agree on the potential impact of this missense change. The variant allele was found at a frequency of 1.2e-05 in 251480 control chromosomes. The available data on variant occurrences in the general population are insufficient to allow any conclusion about variant significance. c.793C>T has been reported in the literature in at least one compound heterozygous individual affected with Severe Combined Immunodeficiency (e.g., Thavaenthiran_2020, Maimaris_2020 (no PMID)). These data do not allow any conclusion about variant significance. To our knowledge, no experimental evidence demonstrating an impact on protein function has been reported. The following publication was ascertained in the context of this evaluation (PMID: 32499645). ClinVar contains an entry for this variant (Variation ID: 827752). Based on the evidence outlined above, the variant was classified as uncertain significance.

Department of Pathology and Laboratory Medicine, Sinai Health System
Classification: Uncertain significance for Gastrointestinal defects and immunodeficiency syndrome 1. Last evaluated: 2023-05-17. Review status: criteria provided, single submitter. Criteria: ACMG Guidelines, 2015. Collection method: research. Allele origin: germline.

Labcorp Genetics (formerly Invitae), Labcorp
Classification: Uncertain significance for Multiple gastrointestinal atresias. Last evaluated: 2021-09-21. Review status: criteria provided, single submitter. Criteria: Invitae Variant Classification Sherloc (09022015). Collection method: clinical testing. Allele origin: germline.
Comment: This sequence change replaces arginine with tryptophan at codon 265 of the TTC7A protein (p.Arg265Trp). The arginine residue is highly conserved and there is a moderate physicochemical difference between arginine and tryptophan. This variant is present in population databases (rs150269540, ExAC 0.001%). This missense change has been observed in individual(s) with clinical features of TTC7A-related conditions (PMID: 32499645). ClinVar contains an entry for this variant (Variation ID: 827752). Algorithms developed to predict the effect of missense changes on protein structure and function are either unavailable or do not agree on the potential impact of this missense change (SIFT: "Deleterious"; PolyPhen-2: "Probably Damaging"; Align-GVGD: "Class C0"). In summary, the available evidence is currently insufficient to determine the role of this variant in disease. Therefore, it has been classified as a Variant of Uncertain Significance.

NIHR Bioresource Rare Diseases, University of Cambridge
Classification: Pathogenic for Common variable immunodeficiency. Last evaluated: 2019-01-01. Review status: criteria provided, single submitter. Criteria: ACMG Guidelines, 2015. Collection method: research. Allele origin: germline. Affected: yes. Observed: 1 heterozygote.

Literature cited by the submitters: PubMed 32499645 (cited by Women's Health and Genetics/Laboratory Corporation of America, LabCorp and Labcorp Genetics (formerly Invitae), Labcorp).

NM_020458.4(TTC7A):c.793C>T (p.Arg265Trp)

Gene: TTC7A (tetratricopeptide repeat domain 7A; plus strand). Cytogenetic location: 2p21.
Variant type: single nucleotide variant.
Coding change: c.793C>T on transcript NM_020458.4 (MANE Select); coding-DNA position 793, C replaced by T.
Protein change: p.Arg265Trp; replaces arginine 265 with tryptophan.
Molecular consequence: missense variant. On other transcripts: 5 prime UTR variant (1).
Genome position (GRCh38, 1-based): chr2:46,993,478, C>T. VCF-style: chr2-46993478-C-T. GRCh37 (hg19) VCF-style: chr2-47220617-C-T.
Other names: c.793C>T, p.Arg265Trp (NM_001288951.2); c.691C>T, p.Arg231Trp (NM_001288953.2); c.-112C>T (NM_001288955.2); short protein forms R231W, R265W.
Identifiers: ClinVar variation 827752 (VCV000827752.9), dbSNP rs150269540, ClinGen allele CA1647360.